The following is an entry in ClinVar:

NM_001291303.3(FAT4):c.6937A>G (p.Ser2313Gly)

Gene: FAT4 (FAT atypical cadherin 4; plus strand). Cytogenetic location: 4q28.1.
Variant type: single nucleotide variant.
Coding change: c.6937A>G on transcript NM_001291303.3 (MANE Select); coding-DNA position 6937, A replaced by G.
Protein change: p.Ser2313Gly; replaces serine 2313 with glycine.
Molecular consequence: missense variant.
Genome position (GRCh38, 1-based): chr4:125,416,541, A>G. VCF-style: chr4-125416541-A-G. GRCh37 (hg19) VCF-style: chr4-126337696-A-G.
Other names: c.6937A>G, p.Ser2313Gly (NM_001291285.3, NM_024582.6); c.6937A>G (NM_024582.5); short protein forms S2313G.
Identifiers: ClinVar variation 2188605 (VCV002188605.5), dbSNP rs1158966010, ClinGen allele CA358131595.

ClinVar aggregate classification (germline): Uncertain significance. Review status: criteria provided, multiple submitters, no conflicts (2 of 4 stars). 2 submissions from 2 submitters: Uncertain significance (2). Last evaluated 2024-02-19.

Conditions:
Hennekam lymphangiectasia-lymphedema syndrome 2 (HKLLS2). Identifiers: Orphanet 2136, MedGen C4014939, MONDO:0014454, OMIM 616006.
Van Maldergem syndrome 2 (VMLDS2). Identifiers: Orphanet 314679, MedGen C3809875, MONDO:0014242, OMIM 615546.

Allele frequency attached by ClinVar (database versions not stated): gnomAD exomes below 0.00001; TOPMed below 0.00001.

Submissions (2):

Fulgent Genetics
Classification: Uncertain significance for Van Maldergem syndrome 2; Hennekam lymphangiectasia-lymphedema syndrome 2. Last evaluated: 2024-02-19. Review status: criteria provided, single submitter. Criteria: ACMG Guidelines, 2015. Collection method: clinical testing. Allele origin: germline.

Labcorp Genetics (formerly Invitae), Labcorp
Classification: Uncertain significance. Last evaluated: 2021-12-18. Review status: criteria provided, single submitter. Criteria: Invitae Variant Classification Sherloc (09022015). Collection method: clinical testing. Allele origin: germline.
Comment: In summary, the available evidence is currently insufficient to determine the role of this variant in disease. Therefore, it has been classified as a Variant of Uncertain Significance. Advanced modeling of protein sequence and biophysical properties (such as structural, functional, and spatial information, amino acid conservation, physicochemical variation, residue mobility, and thermodynamic stability) performed at Invitae indicates that this missense variant is not expected to disrupt FAT4 protein function. This variant has not been reported in the literature in individuals affected with FAT4-related conditions. This variant is present in population databases (no rsID available, gnomAD 0.0009%). This sequence change replaces serine, which is neutral and polar, with glycine, which is neutral and non-polar, at codon 2313 of the FAT4 protein (p.Ser2313Gly).